The following is an entry in ClinVar:

ClinVar aggregate classification (germline): Uncertain significance (1 of 4 stars; one submission).

gnomAD v4.1: 13 of 1,552,662 alleles (0.00084%); highest among the groups gnomAD compares: South Asian, 0.0059%; no homozygotes.

Submission:

GeneDx
Classification: Uncertain significance. Last evaluated: 2025-08-06. Review status: criteria provided, single submitter. Criteria: GeneDx Variant Classification Process June 2021. Collection method: clinical testing. Allele origin: germline. Affected: yes.
Comment: In silico analysis suggests that this missense variant does not alter protein structure/function; Has not been previously published as pathogenic or benign to our knowledge

NM_004667.6(HERC2):c.10816C>T (p.Arg3606Cys)

Gene: HERC2 (HECT and RLD domain containing E3 ubiquitin protein ligase 2; minus strand). Cytogenetic location: 15q13.1.
Variant type: single nucleotide variant.
Coding change: c.10816C>T on transcript NM_004667.6 (MANE Select); coding-DNA position 10816, C replaced by T.
Protein change: p.Arg3606Cys; replaces arginine 3606 with cysteine.
Molecular consequence: missense variant.
Genome position (GRCh38, 1-based): chr15:28,152,761, G>A on the plus strand (C>T on the coding strand, the complement: HERC2 is on the minus strand). VCF-style: chr15-28152761-G-A. GRCh37 (hg19) VCF-style: chr15-28397907-G-A.
Other names: short protein forms R3606C.
Identifiers: ClinVar variation 4756033 (VCV004756033.1).